The following is an entry in ClinVar:

ClinVar aggregate classification (germline): Uncertain significance (1 of 4 stars; one submission).

Conditions:
Sotos syndrome (SOTOS). Also called: CEREBRAL GIGANTISM; Sotos' syndrome; Distinctive facial appearance, overgrowth in childhood, and learning disabilities or delayed development; CHROMOSOME 5q35 DELETION SYNDROME; SOTOS SYNDROME 1. Identifiers: Orphanet 821, MedGen C0175695, MONDO:0019349, OMIM 117550.

Submission:

Victorian Clinical Genetics Services, Murdoch Childrens Research Institute
Classification: Uncertain significance for Sotos syndrome. Last evaluated: 2025-02-07. Review status: criteria provided, single submitter. Criteria: ACMG Guidelines, 2015. Collection method: clinical testing. Allele origin: germline. Affected: yes.
Comment: This variant is classified as VUS-3B. Evidence in support of pathogenic classification: Variant is absent from gnomAD (v2, v3 and v4); Missense variant predicted to be damaging by in silico tool(s) or highly conserved with a major amino acid change. Additional information: Variant is predicted to result in a missense amino acid change from proline to leucine; This variant is heterozygous; This gene is associated with autosomal dominant disease; This variant has no previous evidence of pathogenicity; No published segregation evidence has been identified for this variant; No published functional evidence has been identified for this variant; No comparable missense variants have previous evidence for pathogenicity; Variant is located in the annotated SET domain (DECIPHER); Loss of function is a known mechanism of disease in this gene and is associated with Sotos syndrome (MIM#117550).

NM_022455.5(NSD1):c.6032C>T (p.Pro2011Leu)

Gene: NSD1 (nuclear receptor binding SET domain protein 1; plus strand). Cytogenetic location: 5q35.3.
Variant type: single nucleotide variant.
Coding change: c.6032C>T on transcript NM_022455.5 (MANE Select); coding-DNA position 6032, C replaced by T.
Protein change: p.Pro2011Leu; replaces proline 2011 with leucine.
Molecular consequence: missense variant. On other transcripts: intron variant (1).
Genome position (GRCh38, 1-based): chr5:177,283,809, C>T. VCF-style: chr5-177283809-C-T. GRCh37 (hg19) VCF-style: chr5-176710810-C-T.
Other names: c.5159C>T, p.Pro1720Leu (NM_172349.5, NM_001409308.1, NM_001365684.2); c.5136+1228C>T (NM_001409309.1); c.5279C>T, p.Pro1760Leu (NM_001409305.1); c.5270C>T, p.Pro1757Leu (NM_001409306.1, NM_001409307.1); c.6032C>T, p.Pro2011Leu (NM_001409301.1, NM_001409302.1, NM_001409303.1); c.5612C>T, p.Pro1871Leu (NM_001409304.1); short protein forms P1720L, P1757L, P1760L, P1871L, P2011L.
Identifiers: ClinVar variation 4531985 (VCV004531985.1).
Genomic context (GRCh38, chr5:177,283,809, plus strand): 5'-TCAGGAAGTCTGATGTGTAGCTTCTTTTGGAATTCTAGGACCGAATCATTGATGCTGGTC[C>T]CAAAGGAAACTATGCTCGGTTCATGAATCATTGCTGCCAGCCCAACTGTGAAACACAGAA-3'
Protein context (NP_071900.2, residues 2001-2021): LDKDRIIDAG[Pro2011Leu]KGNYARFMNH